The following is an entry in ClinVar:

NM_020719.3(PRR12):c.1125TGG[1] (p.Gly378_Gly379del)

Gene: PRR12 (proline rich 12; plus strand). Cytogenetic location: 19q13.33.
Variant type: Microsatellite.
Coding change: c.1125TGG[1] on transcript NM_020719.3 (MANE Select); one copy of the 3-base unit TGG starting at c.1125; the reference has three copies in a row; two copies, 6 bases deleted; also written c.1128_1133del.
Protein change: p.Gly378_Gly379del.
Molecular consequence: inframe deletion.
Genome position (GRCh38, 1-based): chr19:49,595,463-49,595,468, TGGTGG deleted; deleting any 6 consecutive bases within chr19:49,595,458-49,595,468 gives the same sequence; the position shown is the placement nearest the transcript's 3' end. VCF-style (leftmost placement, unchanged base first): chr19-49595457-GGGTGGT-G. GRCh37 (hg19) VCF-style: chr19-50098714-GGGTGGT-G.
Other names: c.1128_1133del (NM_020719.3).
Identifiers: ClinVar variation 2228566 (VCV002228566.3), dbSNP rs769925312, ClinGen allele CA9577792.

ClinVar aggregate classification (germline): Uncertain significance. Review status: criteria provided, single submitter (1 of 4 stars). 2 submissions from 2 submitters: Uncertain significance (1). 1 of the submissions does not count toward it. Last evaluated 2020-12-31.

Conditions:
Neuroocular syndrome 1 (NOC1). Identifiers: Orphanet 659904, MedGen C5925133, MONDO:0971007, OMIM 619539.
Inborn genetic diseases. Identifiers: MedGen C0950123, MeSH D030342.

Submissions (2):

Ambry Genetics
Classification: Uncertain significance for Inborn genetic diseases. Last evaluated: 2020-12-31. Review status: criteria provided, single submitter. Criteria: Ambry Variant Classification Scheme 2023. Collection method: clinical testing. Allele origin: germline.
Comment: The c.1128_1133delTGGTGG (p.G378_G379del) alteration is located in exon 4 (coding exon 4) of the PRR12 gene. This alteration consists of an in-frame deletion of 6 nucleotides between nucleotide positions c.1128 and c.1133, resulting in the deletion of <NA> residues. The p.G378_G379del alteration is predicted to be neutral with a score of -1.552 by PROVEAN in silico analysis (Choi, 2012). Based on insufficient or conflicting evidence, the clinical significance of this alteration remains unclear.

Hong-Tao Li Lab, Institute of Brain Science and Brain-inspired Research, Shandong First Medical University & Shandong Academy of Medical Sciences China
Classification: Uncertain significance for Neuroocular syndrome 1. Review status: no assertion criteria provided. Collection method: research. Allele origin: germline. Inheritance: Autosomal dominant inheritance. Affected: yes. Observed: 1 variant allele, 1 heterozygote. Not counted in ClinVar's aggregate classification.
Comment: Observed in affected individuals from a Pakistani neurodevelopmental-disorder research cohort of 263 individuals. Classification assigned using the ACMG/AMP framework. Population-frequency evidence: gnomAD AF 1.319e-05.

Literature cited by the submitters: PubMed 23056405 (cited by Ambry Genetics).